The following is an entry in ClinVar:

NM_198391.3(FLRT3):c.257A>T (p.Glu86Val)

Genes: FLRT3 (fibronectin leucine rich transmembrane protein 3; minus strand), MACROD2 (mono-ADP ribosylhydrolase 2; plus strand). Cytogenetic location: 20p12.1.
Variant type: single nucleotide variant.
Coding change: c.257A>T on transcript NM_198391.3 (MANE Select); coding-DNA position 257, A replaced by T.
Protein change: p.Glu86Val; replaces glutamic acid 86 with valine.
Molecular consequence: missense variant. On other transcripts: intron variant (3).
Genome position (GRCh38, 1-based): chr20:14,327,250, T>A on the plus strand (A>T on the coding strand, the complement: FLRT3 is on the minus strand). VCF-style: chr20-14327250-T-A. GRCh37 (hg19) VCF-style: chr20-14307896-T-A.
Other names: c.272-166229T>A (NM_001351661.2, NM_001351663.2, NM_080676.6); c.257A>T, p.Glu86Val (NM_013281.4); short protein forms E86V.
Identifiers: ClinVar variation 4848204 (VCV004848204.1).

ClinVar aggregate classification (germline): Uncertain significance (1 of 4 stars; one submission).

Submission:

Women's Health and Genetics/Laboratory Corporation of America, LabCorp
Classification: Uncertain significance. Last evaluated: 2026-02-20. Review status: criteria provided, single submitter. Criteria: LabCorp Variant Classification Summary - May 2015. Collection method: clinical testing. Allele origin: germline.
Comment: Variant summary: FLRT3 c.257A>T (p.Glu86Val) results in a non-conservative amino acid change in the encoded protein sequence. Algorithms developed to predict the effect of missense changes on protein structure and function all suggest that this variant is likely to be disruptive. The variant was absent in 250762 control chromosomes. The available data on variant occurrences in the general population are insufficient to allow any conclusion about variant significance. To our knowledge, no occurrence of c.257A>T in individuals affected with FLRT3-related conditions and no experimental evidence demonstrating its impact on protein function have been reported. No submitters have cited clinical-significance assessments for this variant to ClinVar. Based on the evidence outlined above, the variant was classified as uncertain significance.